The following is an entry in ClinVar:

NM_004525.3(LRP2):c.3512A>G (p.Asp1171Gly)

Gene: LRP2 (LDL receptor related protein 2; minus strand). Cytogenetic location: 2q31.1.
Variant type: single nucleotide variant.
Coding change: c.3512A>G on transcript NM_004525.3 (MANE Select); coding-DNA position 3512, A replaced by G.
Protein change: p.Asp1171Gly; replaces aspartic acid 1171 with glycine.
Molecular consequence: missense variant.
Genome position (GRCh38, 1-based): chr2:169,243,441, T>C on the plus strand (A>G on the coding strand, the complement: LRP2 is on the minus strand). VCF-style: chr2-169243441-T-C. GRCh37 (hg19) VCF-style: chr2-170099951-T-C.
Other names: short protein forms D1171G.
Identifiers: ClinVar variation 1912065 (VCV001912065.4), dbSNP rs1689886020, ClinGen allele CA349150276.

ClinVar aggregate classification (germline): Uncertain significance. Review status: criteria provided, multiple submitters, no conflicts (2 of 4 stars). 2 submissions from 2 submitters: Uncertain significance (2). Last evaluated 2026-08-06.

gnomAD v4.1: 1 of 1,614,154 alleles (0.000062%); no homozygotes.

Submissions (2):

OLLIN Analises Genomicas, OLLIN
Classification: Uncertain significance. Last evaluated: 2026-08-06. Review status: criteria provided, single submitter. Criteria: ACMG Guidelines 2015 PMID 25741868. Collection method: clinical testing. Allele origin: germline.
Comment: This missense variant, located in exon 23 (of 79), has been reported in ClinVar (accession VCV001912065.3) and in gnomAD with an allele frequency of 0.000062%. However, to our knowledge, it has not been reported in the scientific literature. In silico analysis predicts that this variant has a deleterious effect. According to the currently available evidence, this variant has been classified as uncertain significance (PM2_P, PP3).

Labcorp Genetics (formerly Invitae), Labcorp
Classification: Uncertain significance. Last evaluated: 2023-06-30. Review status: criteria provided, single submitter. Criteria: Invitae Variant Classification Sherloc (09022015). Collection method: clinical testing. Allele origin: germline.
Comment: This sequence change replaces aspartic acid, which is acidic and polar, with glycine, which is neutral and non-polar, at codon 1171 of the LRP2 protein (p.Asp1171Gly). This variant is not present in population databases (gnomAD no frequency). This variant has not been reported in the literature in individuals affected with LRP2-related conditions. ClinVar contains an entry for this variant (Variation ID: 1912065). Advanced modeling of protein sequence and biophysical properties (such as structural, functional, and spatial information, amino acid conservation, physicochemical variation, residue mobility, and thermodynamic stability) performed at Invitae indicates that this missense variant is expected to disrupt LRP2 protein function. In summary, the available evidence is currently insufficient to determine the role of this variant in disease. Therefore, it has been classified as a Variant of Uncertain Significance.